The following is an entry in ClinVar:

NM_007294.4(BRCA1):c.3119G>C (p.Ser1040Thr)

Gene: BRCA1 (BRCA1 DNA repair associated; minus strand). Cytogenetic location: 17q21.31.
Variant type: single nucleotide variant.
Coding change: c.3119G>C on transcript NM_007294.4 (MANE Select); coding-DNA position 3119, G replaced by C.
Protein change: p.Ser1040Thr; replaces serine 1040 with threonine.
Molecular consequence: missense variant. On other transcripts: intron variant (137).
Genome position (GRCh38, 1-based): chr17:43,092,412, C>G on the plus strand (G>C on the coding strand, the complement: BRCA1 is on the minus strand). VCF-style: chr17-43092412-C-G. GRCh37 (hg19) VCF-style: chr17-41244429-C-G.
Other names: c.2906G>C, p.Ser969Thr (NM_001407571.1, NM_001407853.1, NM_001407894.1 and 9 more transcripts); c.3119G>C, p.Ser1040Thr (NM_001407581.1, NM_001407582.1, NM_001407602.1 and 30 more transcripts); c.3116G>C, p.Ser1039Thr (NM_001407610.1, NM_001407611.1, NM_001407612.1 and 22 more transcripts); c.3110G>C, p.Ser1037Thr (NM_001407646.1, NM_001407647.1); c.2996G>C, p.Ser999Thr (NM_001407648.1, NM_001407664.1, NM_001407665.1 and 19 more transcripts); c.2993G>C, p.Ser998Thr (NM_001407649.1, NM_001407670.1, NM_001407671.1 and 11 more transcripts); c.3041G>C, p.Ser1014Thr (NM_001407653.1, NM_001407654.1, NM_001407655.1 and 4 more transcripts); c.3038G>C, p.Ser1013Thr (NM_001407659.1, NM_001407660.1, NM_001407661.1 and 1 more transcripts); and 41 more; short protein forms S1040T, S993T, S744T, S928T, S952T, S973T, S1013T, S912T.
Identifiers: ClinVar variation 462603 (VCV000462603.14), dbSNP rs4986852, ClinGen allele CA10595747.

ClinVar aggregate classification (germline): Conflicting classifications of pathogenicity. Review status: criteria provided, conflicting classifications (1 of 4 stars). 3 submissions from 3 submitters: Uncertain significance (2); Likely benign (1). Last evaluated 2023-03-23.

Conditions:
Hereditary breast ovarian cancer syndrome. Also called: Hereditary breast and ovarian cancer syndrome (HBOC); BRCA1- and BRCA2-Associated Hereditary Breast and Ovarian Cancer; Hereditary breast and/or ovarian cancer syndrome; Hereditary breast and ovarian cancer syndrome; Hereditary breast and ovarian cancer; Breast and ovarian cancer. Identifiers: Orphanet 145, MedGen C0677776, MeSH D061325, MONDO:0003582. Disease mechanism: loss of function.
Hereditary cancer-predisposing syndrome. Also called: Neoplastic Syndromes, Hereditary; Hereditary neoplastic syndrome; Tumor predisposition; Hereditary Cancer Syndrome. Identifiers: Orphanet 140162, MedGen C0027672, MeSH D009386, MONDO:0015356.
Breast-ovarian cancer, familial, susceptibility to, 1 (BROVCA1). Also called: BRCA1 Hereditary Breast and Ovarian Cancer; OVARIAN CANCER, SUSCEPTIBILITY TO. Identifiers: Orphanet 145, MedGen C2676676, MONDO:0011450, OMIM 604370. Disease mechanism: loss of function.

gnomAD v4.1: 2 of 1,613,754 alleles (0.00012%); highest among the groups gnomAD compares: South Asian, 0.0022%; no homozygotes.

Submissions (3):

University of Washington Department of Laboratory Medicine, University of Washington
Classification: Likely benign for Hereditary cancer-predisposing syndrome. Last evaluated: 2023-03-23. Review status: criteria provided, single submitter. Criteria: Dines et al. (Genet Med. 2020). Collection method: curation. Allele origin: germline.
Comment: Missense variant in a coldspot region where missense variants are very unlikely to be pathogenic (PMID:31911673).

BRCA1 coldspot (exon 11 using historical exon numbering). Reclassification based on statistical prior probability

Labcorp Genetics (formerly Invitae), Labcorp
Classification: Uncertain significance for Hereditary breast ovarian cancer syndrome. Last evaluated: 2023-02-01. Review status: criteria provided, single submitter. Criteria: Invitae Variant Classification Sherloc (09022015). Collection method: clinical testing. Allele origin: germline.
Comment: In summary, the available evidence is currently insufficient to determine the role of this variant in disease. Therefore, it has been classified as a Variant of Uncertain Significance. Advanced modeling of protein sequence and biophysical properties (such as structural, functional, and spatial information, amino acid conservation, physicochemical variation, residue mobility, and thermodynamic stability) performed at Invitae indicates that this missense variant is not expected to disrupt BRCA1 protein function. ClinVar contains an entry for this variant (Variation ID: 462603). This missense change has been observed in individual(s) with breast cancer (PMID: 32846166). This variant is not present in population databases (gnomAD no frequency). This sequence change replaces serine, which is neutral and polar, with threonine, which is neutral and polar, at codon 1040 of the BRCA1 protein (p.Ser1040Thr).

Mendelics
Classification: Uncertain significance for Breast-ovarian cancer, familial, susceptibility to, 1. Last evaluated: 2019-05-28. Review status: criteria provided, single submitter. Criteria: Mendelics Assertion Criteria 2017. Collection method: clinical testing. Allele origin: unknown.

Literature cited by the submitters: PubMed 32846166 (cited by Labcorp Genetics (formerly Invitae), Labcorp).